The following is an entry in ClinVar:

NM_015559.3(SETBP1):c.1048C>G (p.Pro350Ala)

Gene: SETBP1 (SET binding protein 1; plus strand). Cytogenetic location: 18q12.3.
Variant type: single nucleotide variant.
Coding change: c.1048C>G on transcript NM_015559.3 (MANE Select); coding-DNA position 1048, C replaced by G.
Protein change: p.Pro350Ala; replaces proline 350 with alanine.
Molecular consequence: missense variant.
Genome position (GRCh38, 1-based): chr18:44,950,388, C>G. VCF-style: chr18-44950388-C-G. GRCh37 (hg19) VCF-style: chr18-42530353-C-G.
Other names: c.1048C>G, p.Pro350Ala (NM_001379141.1, NM_001379142.1); short protein forms P350A.
Identifiers: ClinVar variation 1416614 (VCV001416614.8), dbSNP rs142034944, ClinGen allele CA402317576.

ClinVar aggregate classification (germline): Uncertain significance (1 of 4 stars; one submission).

gnomAD v4.1: 1 of 1,614,074 alleles (0.000062%); highest among the groups gnomAD compares: Middle Eastern, 0.016%; no homozygotes.

Submission:

Labcorp Genetics (formerly Invitae), Labcorp
Classification: Uncertain significance. Last evaluated: 2021-05-19. Review status: criteria provided, single submitter. Criteria: Invitae Variant Classification Sherloc (09022015). Collection method: clinical testing. Allele origin: germline.
Comment: In summary, the available evidence is currently insufficient to determine the role of this variant in disease. Therefore, it has been classified as a Variant of Uncertain Significance. Algorithms developed to predict the effect of missense changes on protein structure and function output the following: SIFT: "Tolerated"; PolyPhen-2: "Benign"; Align-GVGD: "Class C0". The alanine amino acid residue is found in multiple mammalian species, suggesting that this missense change does not adversely affect protein function. These predictions have not been confirmed by published functional studies and their clinical significance is uncertain. This variant has not been reported in the literature in individuals with SETBP1-related conditions. This variant is not present in population databases (ExAC no frequency). This sequence change replaces proline with alanine at codon 350 of the SETBP1 protein (p.Pro350Ala). The proline residue is moderately conserved and there is a small physicochemical difference between proline and alanine.